The following is an entry in ClinVar:

NM_001256.6(CDC27):c.1788T>G (p.Val596=)

Gene: CDC27 (cell division cycle 27; minus strand). Cytogenetic location: 17q21.32.
Variant type: single nucleotide variant.
Coding change: c.1788T>G on transcript NM_001256.6 (MANE Select); coding-DNA position 1788, T replaced by G.
Protein change: p.Val596=; no amino-acid change (valine 596 retained).
Molecular consequence: synonymous variant. On other transcripts: non-coding transcript variant (1).
Genome position (GRCh38, 1-based): chr17:47,137,277, A>C on the plus strand (T>G on the coding strand, the complement: CDC27 is on the minus strand). VCF-style: chr17-47137277-A-C. GRCh37 (hg19) VCF-style: chr17-45214643-A-C.
Other names: NC_000017.10:g.45214643A>C; c.1806T>G, p.Val602= (NM_001114091.4); c.1785T>G, p.Val595= (NM_001293089.3, NM_001353047.2); c.1605T>G, p.Val535= (NM_001293091.3, NM_001353049.2); c.1788T>G, p.Val596= (NM_001353035.2); c.1497T>G, p.Val499= (NM_001353050.2); c.594T>G, p.Val198= (NM_001353051.2).
Identifiers: ClinVar variation 4280745 (VCV004280745.8).

ClinVar aggregate classification (germline): Likely benign (1 of 4 stars; one submission).

Submissions (10):

CeGaT Center for Human Genetics Tuebingen
Classification: Likely benign. Last evaluated: 2026-07-01. Review status: criteria provided, single submitter. Criteria: CeGaT Center For Human Genetics Tuebingen Variant Classification Criteria Version 2. Collection method: clinical testing. Allele origin: germline. Affected: yes. Observed: 2 variant alleles.
Comment: CDC27: PM2:Supporting, BP4, BP7

Dr. Peter K. Rogan Lab, Western University
No classification provided (evidence only). Condition: Acute myeloid leukemia. Review status: no classification provided. Collection method: in vitro. Allele origin: not applicable. Functional consequence: retained intron. Not counted in ClinVar's aggregate classification.

Dr. Peter K. Rogan Lab, Western University
No classification provided (evidence only). Condition: Acute myeloid leukemia. Review status: no classification provided. Collection method: in vitro. Allele origin: not applicable. Functional consequence: retained intron. Not counted in ClinVar's aggregate classification.

Dr. Peter K. Rogan Lab, Western University
No classification provided (evidence only). Condition: Acute myeloid leukemia. Review status: no classification provided. Collection method: in vitro. Allele origin: not applicable. Functional consequence: skipped exon. Not counted in ClinVar's aggregate classification.

Dr. Peter K. Rogan Lab, Western University
No classification provided (evidence only). Condition: Acute myeloid leukemia. Review status: no classification provided. Collection method: in vitro. Allele origin: not applicable. Functional consequence: skipped exon. Not counted in ClinVar's aggregate classification.

Dr. Peter K. Rogan Lab, Western University
No classification provided (evidence only). Condition: Thymoma. Review status: no classification provided. Collection method: in vitro. Allele origin: not applicable. Functional consequence: retained intron. Not counted in ClinVar's aggregate classification.

Dr. Peter K. Rogan Lab, Western University
No classification provided (evidence only). Condition: Thymoma. Review status: no classification provided. Collection method: in vitro. Allele origin: not applicable. Functional consequence: skipped exon. Not counted in ClinVar's aggregate classification.

Dr. Peter K. Rogan Lab, Western University
No classification provided (evidence only). Condition: Thymoma. Review status: no classification provided. Collection method: in vitro. Allele origin: not applicable. Functional consequence: retained intron. Not counted in ClinVar's aggregate classification.

Dr. Peter K. Rogan Lab, Western University
No classification provided (evidence only). Condition: Cholangiocarcinoma. Review status: no classification provided. Collection method: in vitro. Allele origin: not applicable. Functional consequence: retained intron. Not counted in ClinVar's aggregate classification.

Dr. Peter K. Rogan Lab, Western University
No classification provided (evidence only). Condition: Uterine carcinosarcoma. Review status: no classification provided. Collection method: in vitro. Allele origin: not applicable. Functional consequence: retained intron. Not counted in ClinVar's aggregate classification.